The following is an entry in ClinVar:

ClinVar aggregate classification (germline): Benign (1 of 4 stars; one submission).

Allele frequency attached by ClinVar (database versions not stated): TOPMed 0.70990; gnomAD 0.73414; 1000 Genomes Project 0.76837; 1000 Genomes Project 30x 0.75812.
gnomAD v4.1: 110,497 of 152,128 alleles (73%); highest among the groups gnomAD compares: East Asian, 93%; 41,070 homozygotes.

Submissions (3):

GeneDx
Classification: Benign. Last evaluated: 2018-06-16. Review status: criteria provided, single submitter. Criteria: GeneDx Variant Classification (06012015). Collection method: clinical testing. Allele origin: germline. Affected: yes.
Comment: This variant is considered likely benign or benign based on one or more of the following criteria: it is a conservative change, it occurs at a poorly conserved position in the protein, it is predicted to be benign by multiple in silico algorithms, and/or has population frequency not consistent with disease.

Dr. Peter K. Rogan Lab, Western University
No classification provided (evidence only). Condition: Lung cancer. Review status: no classification provided. Collection method: in vitro. Allele origin: not applicable. Functional consequence: retained intron. Not counted in ClinVar's aggregate classification.

Dr. Peter K. Rogan Lab, Western University
No classification provided (evidence only). Condition: Hepatocellular carcinoma. Review status: no classification provided. Collection method: in vitro. Allele origin: not applicable. Functional consequence: retained intron. Not counted in ClinVar's aggregate classification.

NM_017780.4(CHD7):c.2613+213T>G

Gene: CHD7 (chromodomain helicase DNA binding protein 7; plus strand). Cytogenetic location: 8q12.2.
Variant type: single nucleotide variant.
Coding change: c.2613+213T>G on transcript NM_017780.4 (MANE Select); 213 bases into the intron after coding-DNA position 2613, T replaced by G.
Molecular consequence: intron variant.
Genome position (GRCh38, 1-based): chr8:60,816,714, T>G. VCF-style: chr8-60816714-T-G. GRCh37 (hg19) VCF-style: chr8-61729273-T-G.
Other names: NC_000008.10:g.61729273T>G; c.1716+35664T>G (NM_001316690.1).
Identifiers: ClinVar variation 673326 (VCV000673326.2), dbSNP rs4737565, ClinGen allele CA12764087.
Genomic context (GRCh38, chr8:60,816,714, plus strand): 5'-AAACAGGAAATTTCTCATTCTTCCTGTTGCTTAGGCTAGAAGATATGGGTCCTTATGATA[T>G]TATGTGGAAATAGCGGTGATGGTATGATAAAAATCGTGTAATGAAAGTACAGTTAGCAGA-3'